The following is an entry in ClinVar:

ClinVar aggregate classification (germline): Uncertain significance (1 of 4 stars; one submission).

Conditions:
Immunodeficiency 14 (IMD14A). Also called: p110-DELTA-ACTIVATING MUTATION CAUSING SENESCENT T CELLS, LYMPHADENOPATHY, AND IMMUNODEFICIENCY; ACTIVATED PI3K-DELTA SYNDROME 1; Activated PI3K Delta Syndrome Type 1 (APDS1); IMMUNODEFICIENCY 14A WITH LYMPHOPROLIFERATION, AUTOSOMAL DOMINANT. Identifiers: Orphanet 397596, Orphanet 693661, MedGen C5907821, MONDO:0014222, OMIM 615513.

gnomAD v4.1: 2 of 1,613,264 alleles (0.00012%); highest among the groups gnomAD compares: Admixed American, 0.0017%; no homozygotes.

Submission:

Labcorp Genetics (formerly Invitae), Labcorp
Classification: Uncertain significance for Activated PI3K-delta syndrome. Last evaluated: 2025-12-16. Review status: criteria provided, single submitter. Criteria: Invitae Variant Classification Sherloc (09022015). Collection method: clinical testing. Allele origin: germline.
Comment: This sequence change replaces leucine, which is neutral and non-polar, with valine, which is neutral and non-polar, at codon 666 of the PIK3CD protein (p.Leu666Val). This variant is not present in population databases (gnomAD no frequency). This variant has not been reported in the literature in individuals affected with PIK3CD-related conditions. Invitae Evidence Modeling of protein sequence and biophysical properties (such as structural, functional, and spatial information, amino acid conservation, physicochemical variation, residue mobility, and thermodynamic stability) indicates that this missense variant is expected to disrupt PIK3CD protein function with a positive predictive value of 80%. In summary, the available evidence is currently insufficient to determine the role of this variant in disease. Therefore, it has been classified as a Variant of Uncertain Significance.

NM_005026.5(PIK3CD):c.1996C>G (p.Leu666Val)

Gene: PIK3CD (phosphatidylinositol-4,5-bisphosphate 3-kinase catalytic subunit delta; plus strand). Cytogenetic location: 1p36.22.
Variant type: single nucleotide variant.
Coding change: c.1996C>G on transcript NM_005026.5 (MANE Select); coding-DNA position 1996, C replaced by G.
Protein change: p.Leu666Val; replaces leucine 666 with valine.
Molecular consequence: missense variant.
Genome position (GRCh38, 1-based): chr1:9,721,801, C>G. VCF-style: chr1-9721801-C-G. GRCh37 (hg19) VCF-style: chr1-9781859-C-G.
Other names: c.1996C>G, p.Leu666Val (NM_001437546.1); c.1852C>G, p.Leu618Val (NM_001437547.1, NM_001438338.1); c.1993C>G, p.Leu665Val (NM_001439206.1, NM_001350234.2); c.1909C>G, p.Leu637Val (NM_001350235.1); short protein forms L637V, L665V, L618V, L666V.
Identifiers: ClinVar variation 4737824 (VCV004737824.1).
Genomic context (GRCh38, chr1:9,721,801, plus strand): 5'-GCCCTCCCTTCACCTTCCAGCTCCGAGATGCACGTGCCGTCGGTGGCCCTGCGCTTCGGC[C>G]TCATCCTGGAGGCCTACTGCAGGGGCAGCACCCACCACATGAAGGTGCTGATGAAGCAGG-3'
Protein context (NP_005017.3, residues 656-676): HVPSVALRFG[Leu666Val]ILEAYCRGST